The following is an entry in ClinVar:

NM_198253.3(TERT):c.645C>T (p.Gly215=)

Gene: TERT (telomerase reverse transcriptase; minus strand). Cytogenetic location: 5p15.33.
Variant type: single nucleotide variant.
Coding change: c.645C>T on transcript NM_198253.3 (MANE Select); coding-DNA position 645, C replaced by T.
Protein change: p.Gly215=; no amino-acid change (glycine 215 retained).
Molecular consequence: synonymous variant. On other transcripts: non-coding transcript variant (2).
Genome position (GRCh38, 1-based): chr5:1,294,241, G>A on the plus strand (C>T on the coding strand, the complement: TERT is on the minus strand). VCF-style: chr5-1294241-G-A. GRCh37 (hg19) VCF-style: chr5-1294356-G-A.
Other names: c.645C>T, p.Gly215= (NM_001193376.3).
Identifiers: ClinVar variation 471900 (VCV000471900.49), dbSNP rs768426236, ClinGen allele CA3184937.

ClinVar aggregate classification (germline): Conflicting classifications of pathogenicity. Review status: criteria provided, conflicting classifications (1 of 4 stars). 10 submissions from 8 submitters: Uncertain significance (2); Benign (1); Likely benign (5). 2 of the submissions do not count toward it. Last evaluated 2025-12-23.

Conditions:
Idiopathic Pulmonary Fibrosis. Also called: Idiopathic fibrosing alveolitis, chronic form; idiopathic fibrosing alveolitis. Identifiers: Orphanet 2032, MedGen C1800706, MeSH D054990, MONDO:0800504.
Dyskeratosis congenita, autosomal dominant 2. Identifiers: MedGen C3151443, MONDO:0013521, OMIM 613989.
Dyskeratosis congenita. Identifiers: Orphanet 1775, MedGen C0265965, MONDO:0015780.
Pulmonary fibrosis and/or bone marrow failure, Telomere-related, 1. Also called: PULMONARY FIBROSIS AND/OR BONE MARROW FAILURE SYNDROME, TELOMERE-RELATED, 1. Identifiers: Orphanet 88, MedGen C3553617, MONDO:0013878, OMIM 614742.
Aplastic anemia. Identifiers: Orphanet 182040, Orphanet 88, MedGen C0002874, MONDO:0015909, OMIM 609135, HP:0001915.

Allele frequency attached by ClinVar (database versions not stated): gnomAD 0.00014 and 0.00013; ExAC 0.00015; gnomAD exomes 0.00015 and 0.00028; TOPMed 0.00015.

Submissions (10):

Labcorp Genetics (formerly Invitae), Labcorp
Classification: Likely benign for Dyskeratosis congenita, autosomal dominant 2; Idiopathic Pulmonary Fibrosis. Last evaluated: 2025-12-23. Review status: criteria provided, single submitter. Criteria: Invitae Variant Classification Sherloc (09022015). Collection method: clinical testing. Allele origin: germline.

Blueprint Genetics
Classification: Likely benign. Last evaluated: 2024-09-02. Review status: criteria provided, single submitter. Criteria: ACMG Guidelines, 2015. Collection method: clinical testing. Allele origin: germline.

CeGaT Center for Human Genetics Tuebingen
Classification: Likely benign. Last evaluated: 2024-04-01. Review status: criteria provided, single submitter. Criteria: CeGaT Center For Human Genetics Tuebingen Variant Classification Criteria Version 2. Collection method: clinical testing. Allele origin: germline. Affected: yes. Observed: 3 variant alleles.
Comment: TERT: BP4, BP7

Ambry Genetics
Classification: Likely benign for Dyskeratosis congenita. Last evaluated: 2022-02-12. Review status: criteria provided, single submitter. Criteria: Ambry Variant Classification Scheme 2023. Collection method: clinical testing. Allele origin: germline.

Genetic Services Laboratory, University of Chicago
Classification: Likely benign. Last evaluated: 2021-06-07. Review status: criteria provided, single submitter. Criteria: ACMG Guidelines, 2015. Collection method: clinical testing. Allele origin: germline. Affected: no.

Illumina Laboratory Services, Illumina
Classification: Benign for Pulmonary fibrosis and/or bone marrow failure, Telomere-related, 1. Last evaluated: 2018-01-12. Review status: criteria provided, single submitter. Criteria: ICSL Variant Classification Criteria 13 December 2019. Collection method: clinical testing. Allele origin: germline.
Comment: This variant was observed in the ICSL laboratory as part of a predisposition screen in an ostensibly healthy population. It had not been previously curated by ICSL or reported in the Human Gene Mutation Database (HGMD: prior to June 1st, 2018), and was therefore a candidate for classification through an automated scoring system. Utilizing variant allele frequency, disease prevalence and penetrance estimates, and inheritance mode, an automated score was calculated to assess if this variant is too frequent to cause the disease. Based on the score and internal cut-off values, a variant classified as benign is not then subjected to further curation. The score for this variant resulted in a classification of benign for this disease.

Illumina Laboratory Services, Illumina
Classification: Uncertain significance for Aplastic anemia. Last evaluated: 2018-01-12. Review status: criteria provided, single submitter. Criteria: ICSL Variant Classification Criteria 13 December 2019. Collection method: clinical testing. Allele origin: germline.

Illumina Laboratory Services, Illumina
Classification: Uncertain significance for Dyskeratosis congenita, autosomal dominant 2. Last evaluated: 2018-01-12. Review status: criteria provided, single submitter. Criteria: ICSL Variant Classification Criteria 13 December 2019. Collection method: clinical testing. Allele origin: germline.

Clinical Genetics DNA and cytogenetics Diagnostics Lab, Erasmus MC, Erasmus Medical Center
Classification: Likely benign. Review status: no assertion criteria provided. Collection method: clinical testing. Allele origin: germline. Affected: yes. Study: VKGL Data-share Consensus. Not counted in ClinVar's aggregate classification.

Diagnostic Laboratory, Department of Genetics, University Medical Center Groningen
Classification: Likely benign. Review status: no assertion criteria provided. Collection method: clinical testing. Allele origin: germline. Affected: yes. Study: VKGL Data-share Consensus. Not counted in ClinVar's aggregate classification.